The following is an entry in ClinVar:

ClinVar aggregate classification (germline): Uncertain significance (1 of 4 stars; one submission).

Submission:

Labcorp Genetics (formerly Invitae), Labcorp
Classification: Uncertain significance. Last evaluated: 2024-07-11. Review status: criteria provided, single submitter. Criteria: Invitae Variant Classification Sherloc (09022015). Collection method: clinical testing. Allele origin: germline.
Comment: This sequence change replaces tyrosine, which is neutral and polar, with serine, which is neutral and polar, at codon 223 of the TCIRG1 protein (p.Tyr223Ser). This variant is not present in population databases (gnomAD no frequency). This variant has not been reported in the literature in individuals affected with TCIRG1-related conditions. Advanced modeling of protein sequence and biophysical properties (such as structural, functional, and spatial information, amino acid conservation, physicochemical variation, residue mobility, and thermodynamic stability) performed at Invitae indicates that this missense variant is not expected to disrupt TCIRG1 protein function with a negative predictive value of 80%. In summary, the available evidence is currently insufficient to determine the role of this variant in disease. Therefore, it has been classified as a Variant of Uncertain Significance.

NM_006019.4(TCIRG1):c.668A>C (p.Tyr223Ser)

Gene: TCIRG1 (T cell immune regulator 1, ATPase H+ transporting V0 subunit a3; plus strand). Cytogenetic location: 11q13.2.
Variant type: single nucleotide variant.
Coding change: c.668A>C on transcript NM_006019.4 (MANE Select); coding-DNA position 668, A replaced by C.
Protein change: p.Tyr223Ser; replaces tyrosine 223 with serine.
Molecular consequence: missense variant. On other transcripts: 5 prime UTR variant (1).
Genome position (GRCh38, 1-based): chr11:68,043,608, A>C. VCF-style: chr11-68043608-A-C. GRCh37 (hg19) VCF-style: chr11-67811075-A-C.
Other names: c.-243A>C (NM_001351059.2); c.20A>C, p.Tyr7Ser (NM_006053.4); short protein forms Y223S, Y7S.
Identifiers: ClinVar variation 3713235 (VCV003713235.1).